The following is an entry in ClinVar:

ClinVar aggregate classification (germline): Pathogenic (1 of 4 stars; one submission).

Submission:

Labcorp Genetics (formerly Invitae), Labcorp
Classification: Pathogenic. Last evaluated: 2022-12-22. Review status: criteria provided, single submitter. Criteria: Invitae Variant Classification Sherloc (09022015). Collection method: clinical testing. Allele origin: germline.
Comment: For these reasons, this variant has been classified as Pathogenic. This variant has not been reported in the literature in individuals affected with TBXAS1-related conditions. This variant is present in population databases (rs570470967, gnomAD 0.002%). This sequence change creates a premature translational stop signal (p.Arg316Glyfs*12) in the TBXAS1 gene. It is expected to result in an absent or disrupted protein product. Loss-of-function variants in TBXAS1 are known to be pathogenic (PMID: 22735388).

Literature cited by the submitters: PubMed 22735388.

NM_001061.7(TBXAS1):c.943del (p.Arg315fs)

Gene: TBXAS1 (thromboxane A synthase 1; plus strand). Cytogenetic location: 7q34.
Variant type: Deletion.
Coding change: c.943del on transcript NM_001061.7 (MANE Select); coding-DNA position 943, one base deleted (C; older notation c.943delC).
Protein change: p.Arg315fs; shifts the reading frame from arginine 315.
Molecular consequence: frameshift variant.
Genome position (GRCh38, 1-based): chr7:139,962,042, C deleted; the last of 3 consecutive C bases (chr7:139,962,040-139,962,042); deleting any one gives the same sequence. VCF-style (leftmost placement, unchanged base first): chr7-139962039-TC-T. GRCh37 (hg19) VCF-style: chr7-139661838-TC-T.
Other names: c.943del, p.Arg315fs (NM_001130966.5, NM_030984.6); c.1081del, p.Arg361fs (NM_001166253.4); c.742del, p.Arg248fs (NM_001166254.4); c.886del, p.Arg296fs (NM_001314028.4); c.760del, p.Arg254fs (NM_001366537.3); short protein forms R248fs, R315fs, R361fs, R254fs, R296fs.
Identifiers: ClinVar variation 2966137 (VCV002966137.3), dbSNP rs570470967, ClinGen allele CA167953445.